The following is an entry in ClinVar:

NM_000088.4(COL1A1):c.2021G>A (p.Gly674Glu)

Gene: COL1A1 (collagen type I alpha 1 chain; minus strand). Cytogenetic location: 17q21.33.
Variant type: single nucleotide variant.
Coding change: c.2021G>A on transcript NM_000088.4 (MANE Select); coding-DNA position 2021, G replaced by A.
Protein change: p.Gly674Glu; replaces glycine 674 with glutamic acid.
Molecular consequence: missense variant.
Genome position (GRCh38, 1-based): chr17:50,191,987, C>T on the plus strand (G>A on the coding strand, the complement: COL1A1 is on the minus strand). VCF-style: chr17-50191987-C-T. GRCh37 (hg19) VCF-style: chr17-48269348-C-T.
Other names: short protein forms G674E.
Identifiers: ClinVar variation 618018 (VCV000618018.8), dbSNP rs1567757713, ClinGen allele CA400212243.

ClinVar aggregate classification (germline): Likely pathogenic (1 of 4 stars; one submission).

Submission:

ARUP Laboratories, Molecular Genetics and Genomics, ARUP Laboratories
Classification: Likely pathogenic. Last evaluated: 2017-05-25. Review status: criteria provided, single submitter. Criteria: ARUP Molecular Germline Variant Investigation Process. Collection method: clinical testing. Allele origin: germline.
Comment: The p.Gly674Glu variant has not been reported in the medical literature, gene specific variant databases including ClinVar nor has it been previously identified by our laboratory. The p.Gly674Glu variant is absent from general population databases such as 1000 Genomes, NHLBI GO Exome Sequencing Project (ESP), the Exome Aggregation Consortium (ExAC) browser and the Genome Aggregation Consortium (gnomAD) browser. This variant disrupts the repeating Gly-X-Y sequence motif of the collagen triple helix and is predicted to impair collagen function (Ben Amor 2011).